The following is an entry in ClinVar:

ClinVar aggregate classification (germline): Likely pathogenic. Review status: criteria provided, multiple submitters, no conflicts (2 of 4 stars). 2 submissions from 2 submitters: Likely pathogenic (2). Last evaluated 2024-09-08.

Conditions:
Hereditary cancer-predisposing syndrome. Also called: Neoplastic Syndromes, Hereditary; Tumor predisposition; Hereditary Cancer Syndrome; Hereditary neoplastic syndrome. Identifiers: Orphanet 140162, MedGen C0027672, MeSH D009386, MONDO:0015356.
Pheochromocytoma. Also called: MAX-Related Hereditary Paraganglioma-Pheochromocytoma Syndrome. Identifiers: Orphanet 29072, MedGen C0031511, MONDO:0008233, OMIM 171300, HP:0002666.
Pheochromocytoma/paraganglioma syndrome 4. Also called: CAROTID BODY TUMORS AND MULTIPLE EXTRAADRENAL PHEOCHROMOCYTOMAS; PARAGANGLIOMA, FAMILIAL MALIGNANT; PARAGANGLIOMAS, HEREDITARY EXTRAADRENAL; PHEOCHROMOCYTOMA, FAMILIAL EXTRAADRENAL; Paragangliomas 4; SDHB-Related Hereditary Paraganglioma-Pheochromocytoma Syndrome (Paragangliomas 4). Identifiers: Orphanet 29072, MedGen C1861848, MONDO:0007273, OMIM 115310.
Gastrointestinal stromal tumor. Also called: Gastrointestinal stromal tumor, somatic; Gastrointestinal stroma tumor. Identifiers: Orphanet 44890, MedGen C0238198, MeSH D046152, MONDO:0011719, OMIM 606764, HP:0100723.

Submissions (2):

Labcorp Genetics (formerly Invitae), Labcorp
Classification: Likely pathogenic for Gastrointestinal stromal tumor; Pheochromocytoma/paraganglioma syndrome 4; Pheochromocytoma. Last evaluated: 2024-09-08. Review status: criteria provided, single submitter. Criteria: Invitae Variant Classification Sherloc (09022015). Collection method: clinical testing. Allele origin: germline.
Comment: This sequence change replaces alanine, which is neutral and non-polar, with proline, which is neutral and non-polar, at codon 43 of the SDHB protein (p.Ala43Pro). This variant is not present in population databases (gnomAD no frequency). This missense change has been observed in individuals with paragangliomas and/or phaeochromocytomas (PMID: 14500403, 19454582, 22492777, 24092654, 34906457). ClinVar contains an entry for this variant (Variation ID: 1767632). Invitae Evidence Modeling of protein sequence and biophysical properties (such as structural, functional, and spatial information, amino acid conservation, physicochemical variation, residue mobility, and thermodynamic stability) indicates that this missense variant is not expected to disrupt SDHB protein function with a negative predictive value of 80%. Experimental studies have shown that this missense change affects SDHB function (PMID: 22835832, 25972245). In summary, the currently available evidence indicates that the variant is pathogenic, but additional data are needed to prove that conclusively. Therefore, this variant has been classified as Likely Pathogenic.

Ambry Genetics
Classification: Likely pathogenic for Hereditary cancer-predisposing syndrome. Last evaluated: 2021-01-12. Review status: criteria provided, single submitter. Criteria: Ambry Variant Classification Scheme 2023. Collection method: clinical testing. Allele origin: germline.
Comment: The p.A43P variant (also known as c.127G>C), located in coding exon 2 of the SDHB gene, results from a G to C substitution at nucleotide position 127. The alanine at codon 43 is replaced by proline, an amino acid with highly similar properties. This alteration has been identified in multiple individuals with pheochromocytomas and/or paragangliomas (Gimenez-Roqueplo AP et al. Cancer Res, 2003 Sep;63:5615-21; Martins RG et al. Endocr Relat Cancer, 2013 Dec;20:L23-6; Donato S et al. Endocrine, 2019 08;65:408-415). Additionally, this alteration showed reduced expression of SDH activity on multiple functional assays (Yang C et al. FASEB J, 2012 Nov;26:4506-16; Kim E et al. Endocr Relat Cancer, 2015 Jun;22:387-97). This amino acid position is well conserved in available vertebrate species. In addition, this alteration is predicted to be deleterious by in silico analysis. This variant was not reported in population-based cohorts in the Genome Aggregation Database (gnomAD). Based on the majority of available evidence to date, this variant is likely to be pathogenic.

Literature cited by the submitters: PubMed 14500403 (cited by Labcorp Genetics (formerly Invitae), Labcorp and Ambry Genetics); PubMed 19454582 (cited by Labcorp Genetics (formerly Invitae), Labcorp); PubMed 22492777 (cited by Labcorp Genetics (formerly Invitae), Labcorp); PubMed 24092654 (cited by Labcorp Genetics (formerly Invitae), Labcorp and Ambry Genetics); PubMed 34906457 (cited by Labcorp Genetics (formerly Invitae), Labcorp); PubMed 22835832 (cited by Labcorp Genetics (formerly Invitae), Labcorp and Ambry Genetics); PubMed 25972245 (cited by Labcorp Genetics (formerly Invitae), Labcorp and Ambry Genetics); PubMed 31104306 (cited by Ambry Genetics).

NM_003000.3(SDHB):c.127G>C (p.Ala43Pro)

Gene: SDHB (succinate dehydrogenase complex iron sulfur subunit B; minus strand). Cytogenetic location: 1p36.13.
Variant type: single nucleotide variant.
Coding change: c.127G>C on transcript NM_003000.3 (MANE Select); coding-DNA position 127, G replaced by C.
Protein change: p.Ala43Pro; replaces alanine 43 with proline.
Molecular consequence: missense variant.
Genome position (GRCh38, 1-based): chr1:17,044,834, C>G on the plus strand (G>C on the coding strand, the complement: SDHB is on the minus strand). VCF-style: chr1-17044834-C-G. GRCh37 (hg19) VCF-style: chr1-17371329-C-G.
Other names: c.127G>C, p.Ala43Pro (NM_001407361.1); short protein forms A43P.
Identifiers: ClinVar variation 1767632 (VCV001767632.7), dbSNP rs2078100395, ClinGen allele CA338228149.